The following is an entry in ClinVar:

NM_024642.5(GALNT12):c.1048G>T (p.Gly350Cys)

Gene: GALNT12 (polypeptide N-acetylgalactosaminyltransferase 12; plus strand). Cytogenetic location: 9q22.33.
Variant type: single nucleotide variant.
Coding change: c.1048G>T on transcript NM_024642.5 (MANE Select); coding-DNA position 1048, G replaced by T.
Protein change: p.Gly350Cys; replaces glycine 350 with cysteine.
Molecular consequence: missense variant.
Genome position (GRCh38, 1-based): chr9:98,836,984, G>T. VCF-style: chr9-98836984-G-T. GRCh37 (hg19) VCF-style: chr9-101599266-G-T.
Other names: short protein forms G350C.
Identifiers: ClinVar variation 4028001 (VCV004028001.1).
Genomic context (GRCh38, chr9:98,836,984, plus strand): 5'-AGCTCATCCCCTGCTCACCACCTGGCCTCTCCTTTTCTCTGTGTGCAGATCTGGCAGTGT[G>T]GTGGGGTTCTGGAAACACACCCATGTTCCCATGTTGGCCATGTTTTCCCCAAGCAAGCTC-3'
Protein context (NP_078918.3, residues 340-360): LEFSFRIWQC[Gly350Cys]GVLETHPCSH

ClinVar aggregate classification (germline): Uncertain significance (1 of 4 stars; one submission).

Submission:

Ambry Genetics
Classification: Uncertain significance. Last evaluated: 2025-04-01. Review status: criteria provided, single submitter. Criteria: Ambry Variant Classification Scheme 2023. Collection method: clinical testing. Allele origin: germline.
Comment: The p.G350C variant (also known as c.1048G>T), located in coding exon 6 of the GALNT12 gene, results from a G to T substitution at nucleotide position 1048. The glycine at codon 350 is replaced by cysteine, an amino acid with highly dissimilar properties. This amino acid position is conserved. In addition, this alteration is predicted to be deleterious by in silico analysis. Based on the available evidence, the clinical significance of this variant remains unclear.